The following is an entry in ClinVar:

ClinVar aggregate classification (germline): Pathogenic (1 of 4 stars; one submission).

Conditions:
Familial cancer of breast. Also called: Hereditary breast cancer; BREAST CANCER, FAMILIAL; hereditary breast carcinoma. Identifiers: Orphanet 227535, MedGen C0346153, MONDO:0016419, OMIM 114480. Disease mechanism: loss of function.

Submission:

Myriad Genetics, Inc.
Classification: Pathogenic for Familial cancer of breast. Last evaluated: 2023-09-13. Review status: criteria provided, single submitter. Criteria: Myriad Autosomal Dominant, Autosomal Recessive and X-Linked Classification Criteria (2023). Collection method: clinical testing. Allele origin: unknown.
Comment: This variant is considered pathogenic. This variant creates a frameshift predicted to result in premature protein truncation.

NM_024675.4(PALB2):c.2649dup (p.Glu884fs)

Gene: PALB2 (partner and localizer of BRCA2; minus strand). Cytogenetic location: 16p12.2.
Variant type: Duplication.
Coding change: c.2649dup on transcript NM_024675.4 (MANE Select); coding-DNA position 2649, one base duplicated (A; older notation c.2649dupA).
Protein change: p.Glu884fs; shifts the reading frame from glutamic acid 884.
Molecular consequence: frameshift variant. On other transcripts: intron variant (3).
Genome position (GRCh38, 1-based): chr16:23,626,335, T duplicated on the plus strand (A on the coding strand, the reverse complement: PALB2 is on the minus strand); the first of 3 consecutive T bases (chr16:23,626,335-23,626,337); duplicating any one gives the same sequence. VCF-style (leftmost placement, unchanged base first): chr16-23626334-C-CT. GRCh37 (hg19) VCF-style: chr16-23637655-C-CT.
Other names: c.2589dup, p.Glu864fs (NM_001407296.1); c.2577dup, p.Glu860fs (NM_001407297.1); c.2649dup, p.Glu884fs (NM_001407299.1, NM_001407300.1, NM_001407301.1); c.1764dup, p.Glu589fs (NM_001407304.1, NM_001407305.1, NM_001407306.1 and 4 more transcripts); c.861dup, p.Glu288fs (NM_001407312.1, NM_001407313.1); c.183dup, p.Glu62fs (NM_001407314.1); c.2587-2241dup (NM_001407302.1, NM_001407298.1); c.1702-2241dup (NM_001407307.1); short protein forms E288fs, E589fs, E62fs, E860fs, E864fs, E884fs.
Identifiers: ClinVar variation 2674153 (VCV002674153.1), dbSNP rs2506372450, ClinGen allele CA2695197617.